The following is an entry in ClinVar:

ClinVar aggregate classification (germline): Pathogenic (1 of 4 stars; one submission).

Submission:

Labcorp Genetics (formerly Invitae), Labcorp
Classification: Pathogenic. Last evaluated: 2022-02-10. Review status: criteria provided, single submitter. Criteria: Invitae Variant Classification Sherloc (09022015). Collection method: clinical testing. Allele origin: germline.
Comment: For these reasons, this variant has been classified as Pathogenic. This variant has not been reported in the literature in individuals affected with MYO7A-related conditions. This variant is not present in population databases (gnomAD no frequency). This sequence change creates a premature translational stop signal (p.Glu1794Glyfs*10) in the MYO7A gene. It is expected to result in an absent or disrupted protein product. Loss-of-function variants in MYO7A are known to be pathogenic (PMID: 8900236, 25404053).

Literature cited by the submitters: PubMed 8900236; PubMed 25404053.

NM_000260.4(MYO7A):c.5374_5380dup (p.Glu1794fs)

Gene: MYO7A (myosin VIIA; plus strand). Cytogenetic location: 11q13.5.
Variant type: Duplication.
Coding change: c.5374_5380dup on transcript NM_000260.4 (MANE Select); coding-DNA positions 5374 to 5380, 7 bases duplicated (GTCAACG; older notation c.5374_5380dupGTCAACG).
Protein change: p.Glu1794fs; shifts the reading frame from glutamic acid 1794.
Molecular consequence: frameshift variant.
Genome position (GRCh38, 1-based): chr11:77,204,123-77,204,129, GTCAACG duplicated. VCF-style (leftmost placement, unchanged base first): chr11-77204122-C-CGTCAACG. GRCh37 (hg19) VCF-style: chr11-76915167-C-CGTCAACG.
Other names: c.5260_5266dup, p.Glu1756fs (NM_001127180.2); c.5227_5233dup, p.Glu1745fs (NM_001369365.1); short protein forms E1794fs, E1756fs, E1745fs.
Identifiers: ClinVar variation 1453247 (VCV001453247.6), dbSNP rs2135721049, ClinGen allele CA2573147758.